The following is an entry in ClinVar:

ClinVar aggregate classification (germline): Uncertain significance. Review status: criteria provided, multiple submitters, no conflicts (2 of 4 stars). 2 submissions from 2 submitters: Uncertain significance (2). Last evaluated 2025-11-24.

Allele frequency attached by ClinVar (database versions not stated): ExAC 0.00001; gnomAD exomes 0.00001.
gnomAD v4.1: 4 of 1,610,544 alleles (0.00025%); highest among the groups gnomAD compares: Admixed American, 0.0017%; no homozygotes.

Submissions (2):

Ambry Genetics
Classification: Uncertain significance. Last evaluated: 2025-11-24. Review status: criteria provided, single submitter. Criteria: Ambry Variant Classification Scheme 2023. Collection method: clinical testing. Allele origin: germline.

Labcorp Genetics (formerly Invitae), Labcorp
Classification: Uncertain significance. Last evaluated: 2022-05-25. Review status: criteria provided, single submitter. Criteria: Invitae Variant Classification Sherloc (09022015). Collection method: clinical testing. Allele origin: germline.
Comment: In summary, the available evidence is currently insufficient to determine the role of this variant in disease. Therefore, it has been classified as a Variant of Uncertain Significance. Algorithms developed to predict the effect of missense changes on protein structure and function are either unavailable or do not agree on the potential impact of this missense change (SIFT: "Deleterious"; PolyPhen-2: "Possibly Damaging"; Align-GVGD: "Class C0"). This variant has not been reported in the literature in individuals affected with IRF4-related conditions. This variant is present in population databases (rs765864636, gnomAD 0.003%). This sequence change replaces leucine, which is neutral and non-polar, with phenylalanine, which is neutral and non-polar, at codon 245 of the IRF4 protein (p.Leu245Phe).

NM_002460.4(IRF4):c.735G>C (p.Leu245Phe)

Gene: IRF4 (interferon regulatory factor 4; plus strand). Cytogenetic location: 6p25.3.
Variant type: single nucleotide variant.
Coding change: c.735G>C on transcript NM_002460.4 (MANE Select); coding-DNA position 735, G replaced by C.
Protein change: p.Leu245Phe; replaces leucine 245 with phenylalanine.
Molecular consequence: missense variant. On other transcripts: non-coding transcript variant (1).
Genome position (GRCh38, 1-based): chr6:398,925, G>C. VCF-style: chr6-398925-G-C. GRCh37 (hg19) VCF-style: chr6-398925-G-C.
Other names: c.735G>C (NM_002460.3); c.732G>C, p.Leu244Phe (NM_001195286.2); short protein forms L244F, L245F.
Identifiers: ClinVar variation 1992039 (VCV001992039.7), dbSNP rs765864636, ClinGen allele CA3612789.